The following is an entry in ClinVar:

ClinVar aggregate classification (germline): Uncertain significance (1 of 4 stars; one submission).

Submission:

Labcorp Genetics (formerly Invitae), Labcorp
Classification: Uncertain significance. Last evaluated: 2024-02-24. Review status: criteria provided, single submitter. Criteria: Invitae Variant Classification Sherloc (09022015). Collection method: clinical testing. Allele origin: germline.
Comment: This sequence change replaces phenylalanine, which is neutral and non-polar, with cysteine, which is neutral and slightly polar, at codon 51 of the SLC46A1 protein (p.Phe51Cys). This variant is not present in population databases (gnomAD no frequency). This variant has not been reported in the literature in individuals affected with SLC46A1-related conditions. ClinVar contains an entry for this variant (Variation ID: 2099037). Advanced modeling of protein sequence and biophysical properties (such as structural, functional, and spatial information, amino acid conservation, physicochemical variation, residue mobility, and thermodynamic stability) performed at Invitae indicates that this missense variant is not expected to disrupt SLC46A1 protein function with a negative predictive value of 80%. In summary, the available evidence is currently insufficient to determine the role of this variant in disease. Therefore, it has been classified as a Variant of Uncertain Significance.

NM_080669.6(SLC46A1):c.152T>G (p.Phe51Cys)

Gene: SLC46A1 (solute carrier family 46 member 1; minus strand). Cytogenetic location: 17q11.2.
Variant type: single nucleotide variant.
Coding change: c.152T>G on transcript NM_080669.6 (MANE Select); coding-DNA position 152, T replaced by G.
Protein change: p.Phe51Cys; replaces phenylalanine 51 with cysteine.
Molecular consequence: missense variant.
Genome position (GRCh38, 1-based): chr17:28,405,963, A>C on the plus strand (T>G on the coding strand, the complement: SLC46A1 is on the minus strand). VCF-style: chr17-28405963-A-C. GRCh37 (hg19) VCF-style: chr17-26732981-A-C.
Other names: c.152T>G, p.Phe51Cys (NM_001242366.3); short protein forms F51C.
Identifiers: ClinVar variation 2099037 (VCV002099037.4), dbSNP rs2508306194, ClinGen allele CA398354132.
Genomic context (GRCh38, chr17:28,405,963, plus strand): 5'-GCGCTGCGGTTGCTGCAGCCCCCCCTTTGGCGGGTGCCATTGTAGCCGAGGTCGGCGCTG[A>C]AGCGGTGCCACAGATACTGCGTGGTGAGCGGGCCCTGCAGGACCAAGGCAAAGTTGGCCA-3'
Protein context (NP_542400.2, residues 41-61): PLTTQYLWHR[Phe51Cys]SADLGYNGTR